The following is an entry in ClinVar:

NM_018699.4(PRDM5):c.364G>A (p.Gly122Ser)

Gene: PRDM5 (PR/SET domain 5; minus strand). Cytogenetic location: 4q27.
Variant type: single nucleotide variant.
Coding change: c.364G>A on transcript NM_018699.4 (MANE Select); coding-DNA position 364, G replaced by A.
Protein change: p.Gly122Ser; replaces glycine 122 with serine.
Molecular consequence: missense variant.
Genome position (GRCh38, 1-based): chr4:120,821,282, C>T on the plus strand (G>A on the coding strand, the complement: PRDM5 is on the minus strand). VCF-style: chr4-120821282-C-T. GRCh37 (hg19) VCF-style: chr4-121742437-C-T.
Other names: c.364G>A, p.Gly122Ser (NM_001300823.2, NM_001300824.2, NM_001379104.1 and 1 more transcripts); short protein forms G122S.
Identifiers: ClinVar variation 4823299 (VCV004823299.4).
Genomic context (GRCh38, chr4:120,821,282, plus strand): 5'-TGATGACTGTCATAATTTGCTGTTCTTCCTCCTCAGCCTCCATGTCACTATCCAGGTAGC[C>T]AATCAGAAGCTCCGTGTCTGTTTCTATATCTTCAACTGCCAAATAGAAAATGTTTTCTCC-3'
Protein context (NP_061169.2, residues 112-132): DIETDTELLI[Gly122Ser]YLDSDMEAEE

ClinVar aggregate classification (germline): Uncertain significance (1 of 4 stars; one submission).

Submission:

CeGaT Center for Human Genetics Tuebingen
Classification: Uncertain significance. Last evaluated: 2026-02-01. Review status: criteria provided, single submitter. Criteria: CeGaT Center For Human Genetics Tuebingen Variant Classification Criteria Version 2. Collection method: clinical testing. Allele origin: germline. Affected: yes. Observed: 1 variant allele.
Comment: PRDM5: PM2, PP3, BP1